The following is an entry in ClinVar:

NM_058216.3(RAD51C):c.193A>C (p.Arg65=)

Gene: RAD51C (RAD51 paralog C; plus strand). Cytogenetic location: 17q22.
Variant type: single nucleotide variant.
Coding change: c.193A>C on transcript NM_058216.3 (MANE Select); coding-DNA position 193, A replaced by C.
Protein change: p.Arg65=; no amino-acid change (arginine 65 retained).
Molecular consequence: synonymous variant. On other transcripts: non-coding transcript variant (2).
Genome position (GRCh38, 1-based): chr17:58,694,978, A>C. VCF-style: chr17-58694978-A-C. GRCh37 (hg19) VCF-style: chr17-56772339-A-C.
Other names: c.193A>C, p.Arg65= (NM_002876.4, NM_058217.1).
Identifiers: ClinVar variation 2625142 (VCV002625142.3), dbSNP rs1227348505, ClinGen allele CA501074508.

ClinVar aggregate classification (germline): Benign/Likely benign. Review status: criteria provided, multiple submitters, no conflicts (2 of 4 stars). 2 submissions from 2 submitters: Benign (1); Likely benign (1). Last evaluated 2025-02-14.

Conditions:
Hereditary cancer-predisposing syndrome. Also called: Tumor predisposition; Hereditary Cancer Syndrome; Hereditary neoplastic syndrome; Neoplastic Syndromes, Hereditary. Identifiers: Orphanet 140162, MedGen C0027672, MeSH D009386, MONDO:0015356.
Breast-ovarian cancer, familial, susceptibility to, 3. Also called: RAD51C-Related Breast/Ovarian Cancer. Identifiers: Orphanet 145, MedGen C3150659, MONDO:0013253, OMIM 613399.

gnomAD v4.1: 1 of 1,614,172 alleles (0.000062%); highest among the groups gnomAD compares: South Asian, 0.0011%; no homozygotes.

Submissions (2):

Myriad Genetics, Inc.
Classification: Benign for Breast-ovarian cancer, familial, susceptibility to, 3. Last evaluated: 2025-02-14. Review status: criteria provided, single submitter. Criteria: Myriad Autosomal Dominant, Autosomal Recessive and X-Linked Classification Criteria (2023). Collection method: clinical testing. Allele origin: unknown.
Comment: This variant is considered benign. This variant is a silent/synonymous amino acid change and it is not expected to impact splicing.

Ambry Genetics
Classification: Likely benign for Hereditary cancer-predisposing syndrome. Last evaluated: 2023-09-04. Review status: criteria provided, single submitter. Criteria: Ambry Variant Classification Scheme 2023. Collection method: clinical testing. Allele origin: germline.